The following is an entry in ClinVar:

NM_203447.4(DOCK8):c.898T>G (p.Ser300Ala)

Gene: DOCK8 (dedicator of cytokinesis 8; plus strand). Cytogenetic location: 9p24.3.
Variant type: single nucleotide variant.
Coding change: c.898T>G on transcript NM_203447.4 (MANE Select); coding-DNA position 898, T replaced by G.
Protein change: p.Ser300Ala; replaces serine 300 with alanine.
Molecular consequence: missense variant.
Genome position (GRCh38, 1-based): chr9:328,025, T>G. VCF-style: chr9-328025-T-G. GRCh37 (hg19) VCF-style: chr9-328025-T-G.
Other names: c.694T>G, p.Ser232Ala (NM_001190458.2, NM_001193536.2); short protein forms S232A, S300A.
Identifiers: ClinVar variation 1337518 (VCV001337518.6), dbSNP rs145978391, ClinGen allele CA4957529.

ClinVar aggregate classification (germline): Uncertain significance. Review status: criteria provided, multiple submitters, no conflicts (2 of 4 stars). 3 submissions from 3 submitters: Uncertain significance (3). Last evaluated 2025-08-02.

Conditions:
Inborn genetic diseases. Identifiers: MedGen C0950123, MeSH D030342.

Allele frequency attached by ClinVar (database versions not stated): gnomAD exomes below 0.00001; ExAC 0.00001; TOPMed 0.00002; gnomAD 0.00003 and 0.00004; ESP Exome Variant Server 0.00008.
gnomAD v4.1: 8 of 1,613,928 alleles (0.0005%); highest among the groups gnomAD compares: African/African-American, 0.0093%; no homozygotes.

Submissions (3):

Ambry Genetics
Classification: Uncertain significance for Inborn genetic diseases. Last evaluated: 2025-08-02. Review status: criteria provided, single submitter. Criteria: Ambry Variant Classification Scheme 2023. Collection method: clinical testing. Allele origin: germline.

Labcorp Genetics (formerly Invitae), Labcorp
Classification: Uncertain significance for Combined immunodeficiency due to DOCK8 deficiency. Last evaluated: 2024-07-24. Review status: criteria provided, single submitter. Criteria: Invitae Variant Classification Sherloc (09022015). Collection method: clinical testing. Allele origin: germline.
Comment: This sequence change replaces serine, which is neutral and polar, with alanine, which is neutral and non-polar, at codon 300 of the DOCK8 protein (p.Ser300Ala). This variant is present in population databases (rs145978391, gnomAD 0.01%). This variant has not been reported in the literature in individuals affected with DOCK8-related conditions. ClinVar contains an entry for this variant (Variation ID: 1337518). Advanced modeling of protein sequence and biophysical properties (such as structural, functional, and spatial information, amino acid conservation, physicochemical variation, residue mobility, and thermodynamic stability) performed at Invitae indicates that this missense variant is expected to disrupt DOCK8 protein function with a positive predictive value of 80%. In summary, the available evidence is currently insufficient to determine the role of this variant in disease. Therefore, it has been classified as a Variant of Uncertain Significance.

Genetic Services Laboratory, University of Chicago
Classification: Uncertain significance. Last evaluated: 2019-12-31. Review status: criteria provided, single submitter. Criteria: ACMG Guidelines, 2015. Collection method: clinical testing. Allele origin: germline. Affected: no.
Comment: DNA sequence analysis of the DOCK8 gene demonstrated a sequence change, c.898T>G, in exon 9 that results in an amino acid change, p.Ser300Ala. This sequence change does not appear to have been previously described in patients with DOCK8-related disorders and has been described in the gnomAD database in two individuals (dbSNP rs145978391). The p.Ser300Ala change affects a highly conserved amino acid residue located in a domain of the DOCK8 protein that is not known to be functional. In-silico pathogenicity prediction tools (SIFT, PolyPhen2, Align GVGD, REVEL) provide contradictory results for the p.Ser300Ala substitution. Due to these contrasting evidences and the lack of functional studies, the clinical significance of the p.Ser300Ala change remains unknown at this time.